The following is an entry in ClinVar:

NM_001040108.2(MLH3):c.2131T>C (p.Ser711Pro)

Gene: MLH3 (mutL homolog 3; minus strand). Cytogenetic location: 14q24.3.
Variant type: single nucleotide variant.
Coding change: c.2131T>C on transcript NM_001040108.2 (MANE Select); coding-DNA position 2131, T replaced by C.
Protein change: p.Ser711Pro; replaces serine 711 with proline.
Molecular consequence: missense variant.
Genome position (GRCh38, 1-based): chr14:75,047,525, A>G on the plus strand (T>C on the coding strand, the complement: MLH3 is on the minus strand). VCF-style: chr14-75047525-A-G. GRCh37 (hg19) VCF-style: chr14-75514228-A-G.
Other names: c.2131T>C, p.Ser711Pro (NM_014381.3); short protein forms S711P.
Identifiers: ClinVar variation 2058199 (VCV002058199.7), dbSNP rs894904610, ClinGen allele CA263648561.

ClinVar aggregate classification (germline): Conflicting classifications of pathogenicity. Review status: criteria provided, conflicting classifications (1 of 4 stars). 3 submissions from 3 submitters: Uncertain significance (2); Likely benign (1). Last evaluated 2023-09-05.

Conditions:
Colorectal cancer, hereditary nonpolyposis, type 7. Identifiers: Orphanet 144, MedGen C1858380, MONDO:0013725, OMIM 614385.
Colorectal cancer. Also called: Malignant Colorectal Neoplasm; Colorectal cancer, somatic. Identifiers: MedGen C0346629, MONDO:0005575, OMIM 114500.
Endometrial carcinoma. Also called: Endometrial carcinoma, somatic. Identifiers: MedGen C0476089, MONDO:0002447, OMIM 608089, HP:0012114.

Allele frequency attached by ClinVar (database versions not stated): TOPMed below 0.00001.

Submissions (3):

Ambry Genetics
Classification: Likely benign. Last evaluated: 2023-09-05. Review status: criteria provided, single submitter. Criteria: Ambry Variant Classification Scheme 2023. Collection method: clinical testing. Allele origin: germline.

Labcorp Genetics (formerly Invitae), Labcorp
Classification: Uncertain significance for Colorectal cancer, hereditary nonpolyposis, type 7. Last evaluated: 2022-01-06. Review status: criteria provided, single submitter. Criteria: Invitae Variant Classification Sherloc (09022015). Collection method: clinical testing. Allele origin: germline.
Comment: In summary, the available evidence is currently insufficient to determine the role of this variant in disease. Therefore, it has been classified as a Variant of Uncertain Significance. Algorithms developed to predict the effect of missense changes on protein structure and function output the following: SIFT: "Tolerated"; PolyPhen-2: "Benign"; Align-GVGD: "Class C0". The proline amino acid residue is found in multiple mammalian species, which suggests that this missense change does not adversely affect protein function. This variant has not been reported in the literature in individuals affected with MLH3-related conditions. This variant is not present in population databases (gnomAD no frequency). This sequence change replaces serine, which is neutral and polar, with proline, which is neutral and non-polar, at codon 711 of the MLH3 protein (p.Ser711Pro).

Department of Pathology and Laboratory Medicine, Sinai Health System
Classification: Uncertain significance for Colorectal cancer; Endometrial carcinoma; Colorectal cancer, hereditary nonpolyposis, type 7. Last evaluated: 2021-09-21. Review status: criteria provided, single submitter. Criteria: ACMG Guidelines, 2015. Collection method: clinical testing. Allele origin: germline. Affected: yes.